The following is an entry in ClinVar:

ClinVar aggregate classification (germline): Likely benign (1 of 4 stars; one submission).

Allele frequency attached by ClinVar (database versions not stated): ExAC 0.00001; gnomAD exomes 0.00001.
gnomAD v4.1: 17 of 1,612,548 alleles (0.0011%); highest among the groups gnomAD compares: Non-Finnish European, 0.0014%; no homozygotes.

Submission:

CeGaT Center for Human Genetics Tuebingen
Classification: Likely benign. Last evaluated: 2023-04-01. Review status: criteria provided, single submitter. Criteria: CeGaT Center For Human Genetics Tuebingen Variant Classification Criteria Version 2. Collection method: clinical testing. Allele origin: germline. Affected: yes. Observed: 2 variant alleles.
Comment: MYH14: BP4, BP7

NM_001145809.2(MYH14):c.4614G>A (p.Glu1538=)

Gene: MYH14 (myosin heavy chain 14; plus strand). Cytogenetic location: 19q13.33.
Variant type: single nucleotide variant.
Coding change: c.4614G>A on transcript NM_001145809.2 (MANE Select); coding-DNA position 4614, G replaced by A.
Protein change: p.Glu1538=; no amino-acid change (glutamic acid 1538 retained).
Molecular consequence: synonymous variant.
Genome position (GRCh38, 1-based): chr19:50,286,556, G>A. VCF-style: chr19-50286556-G-A. GRCh37 (hg19) VCF-style: chr19-50789813-G-A.
Other names: c.4515G>A, p.Glu1505= (NM_001077186.2); c.4491G>A, p.Glu1497= (NM_024729.4).
Identifiers: ClinVar variation 2498793 (VCV002498793.28), dbSNP rs762863836, ClinGen allele CA9593558.
Genomic context (GRCh38, chr19:50,286,556, plus strand): 5'-GAAGGCAGCTGTACTTCGGGCAGTGGAGGAACGTGAGCGGGCCGAGGCAGAGGGCCGGGA[G>A]CGTGAGGCTCGGGCCCTGTCACTGACACGGGCACTGGAGGAGGAGCAGGAGGCACGTGAG-3'
Protein context (NP_001139281.1, residues 1528-1548): ERERAEAEGR[Glu1538=]REARALSLTR